The following is an entry in ClinVar:

ClinVar aggregate classification (germline): Uncertain significance/Uncertain risk allele. Review status: criteria provided, multiple submitters, no conflicts (2 of 4 stars). 2 submissions from 2 submitters: Uncertain significance (1); Uncertain risk allele (1). Last evaluated 2012-02-24.

Conditions:
Diabetic retinopathy. Identifiers: MedGen C0011884, MONDO:0005266.

Submissions (2):

Laboratory for Molecular Medicine, Mass General Brigham Personalized Medicine
Classification: Uncertain significance. Last evaluated: 2012-02-24. Review status: criteria provided, single submitter. Criteria: LMM Criteria. Collection method: clinical testing. Allele origin: germline. Observed: 2 variant alleles.
Comment: Variant classified as Uncertain Significance - Favor Benign. Th is variant is located in the 5' UTR 8 nucleotides upstream of the translation in itiation codon (ATG). Regulatory variation in the 5' and 3' UTR's could negative ly gene expression through reduced mRNA translation but this type of disease mec hanism has not been reported in Marfan or Loeys-Dietz syndromes. Although this data supports that the -8G>A variant may be benign, additional studies are neede d to fully assess its clinical significance. The clinical significance of this v ariant should be interpreted in the context of this individual's clinical manife station.

Clinical Genomics, Uppaluri K&H Personalized Medicine Clinic
Classification: Uncertain risk allele for Diabetic retinopathy. Review status: criteria provided, single submitter. Criteria: K And H Uppaluri Personalized Medicine Clinic Variant Classification And Assertion Criteria Updated V 2. Collection method: research. Allele origin: unknown.
Comment: Potent mutations in TGFBR2 gene encodes the transforming growth factor that have been associated with angiogenesis and diabetic retinopathy. More clinical studies are needed for stronger association. However, more evidence is required to confer the association of this particular variant rs727504344 with diabetic retinopathy.

Literature cited by the submitters: PubMed 30222965 (cited by Clinical Genomics, Uppaluri K&H Personalized Medicine Clinic); PubMed 28162229 (cited by Clinical Genomics, Uppaluri K&H Personalized Medicine Clinic); PubMed 34572573 (cited by Clinical Genomics, Uppaluri K&H Personalized Medicine Clinic).

NM_003242.6(TGFBR2):c.-8G>A

Gene: TGFBR2 (transforming growth factor beta receptor 2; plus strand). Cytogenetic location: 3p24.1.
Variant type: single nucleotide variant.
Coding change: c.-8G>A on transcript NM_003242.6 (MANE Select); 8 bases upstream of the start codon, G replaced by A.
Molecular consequence: 5 prime UTR variant.
Genome position (GRCh38, 1-based): chr3:30,606,876, G>A. VCF-style: chr3-30606876-G-A. GRCh37 (hg19) VCF-style: chr3-30648368-G-A.
Other names: c.-8G>A (NM_001024847.3, NM_001407126.1, NM_001407127.1 and 4 more transcripts); c.-291G>A (NM_001407133.1); c.-169G>A (NM_001407134.1); c.-216G>A (NM_001407135.1); c.-301G>A (NM_001407136.1).
Identifiers: ClinVar variation 177828 (VCV000177828.7), dbSNP rs727504344, ClinGen allele CA020784.
Genomic context (GRCh38, chr3:30,606,876, plus strand): 5'-CCAGGGGTCCGGGAAGGCGCCGTCCGCTGCGCTGGGGGCTCGGTCTATGACGAGCAGCGG[G>A]GTCTGCCATGGGTCGGGGGCTGCTCAGGGGCCTGTGGCCGCTGCACATCGTCCTGTGGAC-3'